The following is an entry in ClinVar:

ClinVar aggregate classification (germline): Uncertain significance. Review status: criteria provided, multiple submitters, no conflicts (2 of 4 stars). 2 submissions from 2 submitters: Uncertain significance (2). Last evaluated 2023-04-17.

Allele frequency attached by ClinVar (database versions not stated): ExAC 0.00001; gnomAD exomes 0.00003; TOPMed 0.00005; ESP Exome Variant Server 0.00008.
gnomAD v4.1: 41 of 1,611,378 alleles (0.0025%); highest among the groups gnomAD compares: Admixed American, 0.005%; no homozygotes.

Submissions (2):

GeneDx
Classification: Uncertain significance. Last evaluated: 2023-04-17. Review status: criteria provided, single submitter. Criteria: GeneDx Variant Classification Process June 2021. Collection method: clinical testing. Allele origin: germline. Affected: yes.
Comment: Not observed at significant frequency in large population cohorts (gnomAD); In silico analysis supports that this missense variant does not alter protein structure/function; Has not been previously published as pathogenic or benign to our knowledge

Labcorp Genetics (formerly Invitae), Labcorp
Classification: Uncertain significance. Last evaluated: 2022-08-19. Review status: criteria provided, single submitter. Criteria: Invitae Variant Classification Sherloc (09022015). Collection method: clinical testing. Allele origin: germline.
Comment: In summary, the available evidence is currently insufficient to determine the role of this variant in disease. Therefore, it has been classified as a Variant of Uncertain Significance. Algorithms developed to predict the effect of missense changes on protein structure and function output the following: SIFT: "Tolerated"; PolyPhen-2: "Benign"; Align-GVGD: "Class C0". The alanine amino acid residue is found in multiple mammalian species, which suggests that this missense change does not adversely affect protein function. This variant has not been reported in the literature in individuals affected with MTFMT-related conditions. This variant is present in population databases (rs376154564, gnomAD 0.006%). This sequence change replaces threonine, which is neutral and polar, with alanine, which is neutral and non-polar, at codon 374 of the MTFMT protein (p.Thr374Ala).

NM_139242.4(MTFMT):c.1120A>G (p.Thr374Ala)

Gene: MTFMT (mitochondrial methionyl-tRNA formyltransferase; minus strand). Cytogenetic location: 15q22.31.
Variant type: single nucleotide variant.
Coding change: c.1120A>G on transcript NM_139242.4 (MANE Select); coding-DNA position 1120, A replaced by G.
Protein change: p.Thr374Ala; replaces threonine 374 with alanine.
Molecular consequence: missense variant.
Genome position (GRCh38, 1-based): chr15:65,003,112, T>C on the plus strand (A>G on the coding strand, the complement: MTFMT is on the minus strand). VCF-style: chr15-65003112-T-C. GRCh37 (hg19) VCF-style: chr15-65295450-T-C.
Other names: c.1120A>G (NM_139242.3); short protein forms T374A.
Identifiers: ClinVar variation 2180067 (VCV002180067.5), dbSNP rs376154564, ClinGen allele CA7613145.